The following is an entry in ClinVar:

NM_001482.3(GATM):c.485-300G>C

Gene: GATM (glycine amidinotransferase; minus strand). Cytogenetic location: 15q21.1.
Variant type: single nucleotide variant.
Coding change: c.485-300G>C on transcript NM_001482.3 (MANE Select); 300 bases into the intron before coding-DNA position 485, G replaced by C.
Molecular consequence: intron variant.
Genome position (GRCh38, 1-based): chr15:45,368,560, C>G on the plus strand (G>C on the coding strand, the complement: GATM is on the minus strand). VCF-style: chr15-45368560-C-G. GRCh37 (hg19) VCF-style: chr15-45660758-C-G.
Other names: c.98-300G>C (NM_001321015.2).
Identifiers: ClinVar variation 682670 (VCV000682670.1), dbSNP rs1153855, ClinGen allele CA14099760.
Genomic context (GRCh38, chr15:45,368,560, plus strand): 5'-CTACTCGGGAGACTGAGGCAGGAGAATCACTTGAACCAAGAGGCAAAGGCTGCAGTGAGC[C>G]GAGATTGTGCCACCACACTCCAGCCTGGGCGACAGAGTGAGACTCTGTCTCAAACAAACA-3'

ClinVar aggregate classification (germline): Benign (1 of 4 stars; one submission).

Allele frequency attached by ClinVar (database versions not stated): gnomAD 0.55833; TOPMed 0.59226; 1000 Genomes Project 30x 0.71721; 1000 Genomes Project 0.71785.
gnomAD v4.1: 85,091 of 151,640 alleles (56%); highest among the groups gnomAD compares: East Asian, 91%; 27,354 homozygotes.

Submission:

GeneDx
Classification: Benign. Last evaluated: 2018-06-18. Review status: criteria provided, single submitter. Criteria: GeneDx Variant Classification (06012015). Collection method: clinical testing. Allele origin: germline. Affected: yes.
Comment: This variant is considered likely benign or benign based on one or more of the following criteria: it is a conservative change, it occurs at a poorly conserved position in the protein, it is predicted to be benign by multiple in silico algorithms, and/or has population frequency not consistent with disease.